The following is an entry in ClinVar:

ClinVar aggregate classification (germline): Uncertain significance (1 of 4 stars; one submission).

gnomAD v4.1: 2 of 152,218 alleles (0.0013%); highest among the groups gnomAD compares: Non-Finnish European, 0.0029%; no homozygotes.

Submission:

Institute for Human Genetics, University Hospital Essen
Classification: Uncertain significance. Last evaluated: 2025-11-27. Review status: criteria provided, single submitter. Criteria: Submitter's publication. Collection method: clinical testing. Allele origin: inherited. Inheritance: Autosomal unknown. Affected: yes. Observed: 1 variant allele, 1 compound heterozygote.
Comment: PM1_supp, PM2_supp, PM3, PP1 (criteria rationale detailed in Leitão et al. Nature Genetics 2026)

NR_199791.1(RNU2-2):n.183G>T

Genes: RNU2-2 (RNA, U2 small nuclear 2; minus strand), WDR74 (WD repeat domain 74; minus strand). Cytogenetic location: 11q12.3.
Variant type: single nucleotide variant.
Molecular consequence: non-coding transcript variant (on NR_199791.1). On other transcripts: 5 prime UTR variant (1).
Genome position: GRCh38 VCF-style: chr11-62841627-C-A. GRCh37 (hg19) VCF-style: chr11-62609099-C-A.
Other names: c.-356G>T (NM_001369451.1).
Identifiers: ClinVar variation 4540548 (VCV004540548.1).